The following is an entry in ClinVar:

ClinVar aggregate classification (germline): Pathogenic (1 of 4 stars; one submission).

Conditions:
Developmental and epileptic encephalopathy, 48 (DEE48). Also called: Epileptic encephalopathy, early infantile, 48. Identifiers: MedGen C4310637, MONDO:0015000, OMIM 617276.

Submission:

Baylor Genetics
Classification: Pathogenic for Developmental and epileptic encephalopathy, 48. Last evaluated: 2018-06-26. Review status: criteria provided, single submitter. Criteria: ACMG Guidelines, 2015. Collection method: clinical testing. Allele origin: paternal. Affected: yes.
Comment: This variant was determined to be pathogenic according to ACMG Guidelines, 2015 [PMID:25741868].

NM_001278512.2(AP3B2):c.940C>T (p.Gln314Ter)

Genes: AP3B2 (adaptor related protein complex 3 subunit beta 2; minus strand), CPEB1-AS1 (CPEB1 antisense RNA 1; plus strand). Cytogenetic location: 15q25.2.
Variant type: single nucleotide variant.
Coding change: c.940C>T on transcript NM_001278512.2 (MANE Select); coding-DNA position 940, C replaced by T.
Protein change: p.Gln314Ter; replaces glutamine 314 with a stop codon.
Molecular consequence: nonsense.
Genome position (GRCh38, 1-based): chr15:82,680,587, G>A on the plus strand (C>T on the coding strand, the complement: AP3B2 is on the minus strand). VCF-style: chr15-82680587-G-A. GRCh37 (hg19) VCF-style: chr15-83349339-G-A.
Other names: c.844C>T, p.Gln282Ter (NM_001278511.2); c.940C>T, p.Gln314Ter (NM_004644.5); short protein forms Q282*, Q314*.
Identifiers: ClinVar variation 1031455 (VCV001031455.1), dbSNP rs1215589381, ClinGen allele CA393294859.